The following is an entry in ClinVar:

NM_004517.4(ILK):c.1045C>T (p.Arg349Cys)

Genes: TAF10 (TATA-box binding protein associated factor 10; minus strand), ILK (integrin linked kinase; plus strand). Cytogenetic location: 11p15.4.
Variant type: single nucleotide variant.
Coding change: c.1045C>T on transcript NM_004517.4 (MANE Select); coding-DNA position 1045, C replaced by T.
Protein change: p.Arg349Cys; replaces arginine 349 with cysteine.
Molecular consequence: missense variant. On other transcripts: 3 prime UTR variant (1).
Genome position (GRCh38, 1-based): chr11:6,610,002, C>T. VCF-style: chr11-6610002-C-T. GRCh37 (hg19) VCF-style: chr11-6631233-C-T.
Other names: c.1045C>T, p.Arg349Cys (NM_001014794.3, NM_001014795.3); c.862C>T, p.Arg288Cys (NM_001278441.2); c.643C>T, p.Arg215Cys (NM_001278442.2); c.*920G>A (NM_006284.4); short protein forms R215C, R288C, R349C.
Identifiers: ClinVar variation 941413 (VCV000941413.9), dbSNP rs1257537906, ClinGen allele CA379466434.

ClinVar aggregate classification (germline): Uncertain significance (1 of 4 stars; one submission).

Conditions:
Primary familial hypertrophic cardiomyopathy (HCM). Identifiers: Orphanet 99739, MedGen C0949658, MeSH D024741, MONDO:0024573. Inheritance: Various modes of inheritance.

Allele frequency attached by ClinVar (database versions not stated): TOPMed below 0.00001; gnomAD 0.00001; gnomAD exomes 0.00001.
gnomAD v4.1: 17 of 1,614,002 alleles (0.0011%); highest among the groups gnomAD compares: East Asian, 0.0022%; no homozygotes.

Submission:

Labcorp Genetics (formerly Invitae), Labcorp
Classification: Uncertain significance for Primary familial hypertrophic cardiomyopathy. Last evaluated: 2025-04-27. Review status: criteria provided, single submitter. Criteria: Invitae Variant Classification Sherloc (09022015). Collection method: clinical testing. Allele origin: germline.
Comment: This sequence change replaces arginine, which is basic and polar, with cysteine, which is neutral and slightly polar, at codon 349 of the ILK protein (p.Arg349Cys). This variant is present in population databases (no rsID available, gnomAD 0.01%). This variant has not been reported in the literature in individuals affected with ILK-related conditions. ClinVar contains an entry for this variant (Variation ID: 941413). An algorithm developed to predict the effect of missense changes on protein structure and function (PolyPhen-2) suggests that this variant is likely to be disruptive. In summary, the available evidence is currently insufficient to determine the role of this variant in disease. Therefore, it has been classified as a Variant of Uncertain Significance.